The following is an entry in ClinVar:

ClinVar aggregate classification (germline): Uncertain significance (1 of 4 stars; one submission).

Conditions:
Snijders Blok-Campeau syndrome. Also called: INTELLECTUAL DEVELOPMENTAL DISORDER WITH MACROCEPHALY, SPEECH DELAY, AND DYSMORPHIC FACIES. Identifiers: Orphanet 599082, MedGen C4748701, MONDO:0032600, OMIM 618205.

Submission:

3billion
Classification: Uncertain significance for Snijders Blok-Campeau syndrome. Last evaluated: 2025-12-08. Review status: criteria provided, single submitter. Criteria: ACMG Guidelines, 2015. Collection method: clinical testing. Allele origin: germline. Affected: yes.
Comment: The variant is not observed in the gnomAD v4.1.0 dataset. Predicted Consequence/Location: Missense variant Damaging effect on gene or gene product predicted by in silico programs is uncertain [REVEL: 0.41 (damaging >=0.6, benign <0.4), 3Cnet: 0.13 (damaging >0.75, benign <0.1)]. A different missense change at the same codon (p.Arg540Cys) has been reported to be associated with CHD3-related disorder (ClinVar ID: VCV002664669). However the evidence of pathogenicity is insufficient at this time. Therefore, this variant is classified as VUS according to the recommendation of ACMG/AMP guideline.

NM_001005273.3(CHD3):c.1619G>T (p.Arg540Leu)

Gene: CHD3 (chromodomain helicase DNA binding protein 3; plus strand). Cytogenetic location: 17p13.1.
Variant type: single nucleotide variant.
Coding change: c.1619G>T on transcript NM_001005273.3 (MANE Select); coding-DNA position 1619, G replaced by T.
Protein change: p.Arg540Leu; replaces arginine 540 with leucine.
Molecular consequence: missense variant.
Genome position (GRCh38, 1-based): chr17:7,895,454, G>T. VCF-style: chr17-7895454-G-T. GRCh37 (hg19) VCF-style: chr17-7798772-G-T.
Other names: c.1796G>T, p.Arg599Leu (NM_001005271.3, NM_001437504.1); c.1784G>T, p.Arg595Leu (NM_001437507.1, NM_001437508.1, NM_001437509.1); c.1619G>T, p.Arg540Leu (NM_005852.4); short protein forms R540L, R595L, R599L.
Identifiers: ClinVar variation 4854255 (VCV004854255.1).
Genomic context (GRCh38, chr17:7,895,454, plus strand): 5'-CACCTGTAGCAGTGCCAGCCCCTCAACAGGCAGATGGAAATCCAGATGTCCCACCCCCCC[G>T]TCCTCTTCAAGGCAGATCAGAGCGAGAGTTCTTTGTCAAGTGGGTAGGACTATCCTACTG-3'
Protein context (NP_001005273.1, residues 530-550): ADGNPDVPPP[Arg540Leu]PLQGRSEREF